The following is an entry in ClinVar:

NM_001190.4(BCAT2):c.821G>A (p.Trp274Ter)

Gene: BCAT2 (branched chain amino acid transaminase 2; minus strand). Cytogenetic location: 19q13.33.
Variant type: single nucleotide variant.
Coding change: c.821G>A on transcript NM_001190.4 (MANE Select); coding-DNA position 821, G replaced by A.
Protein change: p.Trp274Ter; replaces tryptophan 274 with a stop codon.
Molecular consequence: nonsense.
Genome position (GRCh38, 1-based): chr19:48,797,208, C>T on the plus strand (G>A on the coding strand, the complement: BCAT2 is on the minus strand). VCF-style: chr19-48797208-C-T. GRCh37 (hg19) VCF-style: chr19-49300465-C-T.
Other names: c.545G>A, p.Trp182Ter (NM_001164773.2); c.701G>A, p.Trp234Ter (NM_001284325.2); short protein forms W274*, W182*, W234*.
Identifiers: ClinVar variation 4782124 (VCV004782124.1).

ClinVar aggregate classification (germline): Pathogenic (1 of 4 stars; one submission).

Submission:

Labcorp Genetics (formerly Invitae), Labcorp
Classification: Pathogenic. Last evaluated: 2025-11-16. Review status: criteria provided, single submitter. Criteria: Invitae Variant Classification Sherloc (09022015). Collection method: clinical testing. Allele origin: germline.
Comment: This sequence change creates a premature translational stop signal (p.Trp274*) in the BCAT2 gene. It is expected to result in an absent or disrupted protein product. Loss-of-function variants in BCAT2 are known to be pathogenic (PMID: 30626930, 31177572). This variant is not present in population databases (gnomAD no frequency). This variant has not been reported in the literature in individuals affected with BCAT2-related conditions. For these reasons, this variant has been classified as Pathogenic.

Literature cited by the submitters: PubMed 30626930; PubMed 31177572.